The following is an entry in ClinVar:

NM_001184.4(ATR):c.7220G>T (p.Arg2407Leu)

Gene: ATR (ATR checkpoint kinase; minus strand). Cytogenetic location: 3q23.
Variant type: single nucleotide variant.
Coding change: c.7220G>T on transcript NM_001184.4 (MANE Select); coding-DNA position 7220, G replaced by T.
Protein change: p.Arg2407Leu; replaces arginine 2407 with leucine.
Molecular consequence: missense variant.
Genome position (GRCh38, 1-based): chr3:142,459,356, C>A on the plus strand (G>T on the coding strand, the complement: ATR is on the minus strand). VCF-style: chr3-142459356-C-A. GRCh37 (hg19) VCF-style: chr3-142178198-C-A.
Other names: c.7028G>T, p.Arg2343Leu (NM_001354579.2); short protein forms R2343L, R2407L.
Identifiers: ClinVar variation 3221283 (VCV003221283.1), dbSNP rs778835776, ClinGen allele CA354798135.

ClinVar aggregate classification (germline): Uncertain significance (1 of 4 stars; one submission).

Conditions:
Inborn genetic diseases. Identifiers: MedGen C0950123, MeSH D030342.

Submission:

Ambry Genetics
Classification: Uncertain significance for Inborn genetic diseases. Last evaluated: 2024-03-13. Review status: criteria provided, single submitter. Criteria: Ambry Variant Classification Scheme 2023. Collection method: clinical testing. Allele origin: germline.
Comment: The p.R2407L variant (also known as c.7220G>T), located in coding exon 43 of the ATR gene, results from a G to T substitution at nucleotide position 7220. The arginine at codon 2407 is replaced by leucine, an amino acid with dissimilar properties. This amino acid position is conserved. In addition, the in silico prediction for this alteration is inconclusive. Based on the available evidence, the clinical significance of this alteration remains unclear.